The following is an entry in ClinVar:

NM_005677.4(COLQ):c.57dup (p.Ile20fs)

Gene: COLQ (collagen like tail subunit of asymmetric acetylcholinesterase; minus strand). Cytogenetic location: 3p25.1.
Variant type: Duplication.
Coding change: c.57dup on transcript NM_005677.4 (MANE Select); coding-DNA position 57, one base duplicated (T; older notation c.57dupT).
Protein change: p.Ile20fs; shifts the reading frame from isoleucine 20.
Molecular consequence: frameshift variant.
Genome position (GRCh38, 1-based): chr3:15,521,569, A duplicated on the plus strand (T on the coding strand, the reverse complement: COLQ is on the minus strand). VCF-style (leftmost placement, unchanged base first): chr3-15521568-T-TA. GRCh37 (hg19) VCF-style: chr3-15563075-T-TA.
Other names: c.57dup, p.Ile20fs (NM_080539.4); c.57dupT (NM_005677.3); short protein forms I20fs.
Identifiers: ClinVar variation 571382 (VCV000571382.11), dbSNP rs777102590, ClinGen allele CA2276396.
Genomic context (GRCh38, chr3:15,521,568, plus strand): 5'-GCCATCATTTACCTGCTGAGATTGGAAGAACGCTGTTGATGAAAGTCGGCTGAGACACGA[T>TA]AGAGAGGAAGAAAAGCTGAAGATAAATTCCCAAAGTCATTGGATTCAGGACAACCATGCT-3'

ClinVar aggregate classification (germline): Pathogenic/Likely pathogenic. Review status: criteria provided, multiple submitters, no conflicts (2 of 4 stars). 2 submissions from 2 submitters: Pathogenic (1); Likely pathogenic (1). Last evaluated 2025-10-02.

Conditions:
Congenital myasthenic syndrome 5. Identifiers: Orphanet 590, MedGen C1864233, MONDO:0011281, OMIM 603034.

Allele frequency attached by ClinVar (database versions not stated): gnomAD exomes below 0.00001 and 0.00001; ExAC 0.00001.

Submissions (2):

Labcorp Genetics (formerly Invitae), Labcorp
Classification: Pathogenic for Congenital myasthenic syndrome 5. Last evaluated: 2025-10-02. Review status: criteria provided, single submitter. Criteria: Invitae Variant Classification Sherloc (09022015). Collection method: clinical testing. Allele origin: germline.
Comment: This sequence change creates a premature translational stop signal (p.Ile20Tyrfs*114) in the COLQ gene. It is expected to result in an absent or disrupted protein product. Loss-of-function variants in COLQ are known to be pathogenic (PMID: 22678886). This variant is present in population databases (rs777102590, gnomAD 0.0009%). This variant has not been reported in the literature in individuals affected with COLQ-related conditions. ClinVar contains an entry for this variant (Variation ID: 571382). For these reasons, this variant has been classified as Pathogenic.

Revvity Omics, Revvity
Classification: Likely pathogenic for Congenital myasthenic syndrome 5. Last evaluated: 2022-03-03. Review status: criteria provided, single submitter. Criteria: ACMG Guidelines, 2015. Collection method: clinical testing. Allele origin: germline.

Literature cited by the submitters: PubMed 22678886 (cited by Labcorp Genetics (formerly Invitae), Labcorp).